The following is an entry in ClinVar:

NM_001348716.2(KDM6B):c.80C>T (p.Ala27Val)

Gene: KDM6B (lysine demethylase 6B; plus strand). Cytogenetic location: 17p13.1.
Variant type: single nucleotide variant.
Coding change: c.80C>T on transcript NM_001348716.2 (MANE Select); coding-DNA position 80, C replaced by T.
Protein change: p.Ala27Val; replaces alanine 27 with valine.
Molecular consequence: missense variant.
Genome position (GRCh38, 1-based): chr17:7,845,634, C>T. VCF-style: chr17-7845634-C-T. GRCh37 (hg19) VCF-style: chr17-7748952-C-T.
Other names: c.80C>T, p.Ala27Val (NM_001080424.2); short protein forms A27V.
Identifiers: ClinVar variation 3376228 (VCV003376228.1).

ClinVar aggregate classification (germline): Uncertain significance (1 of 4 stars; one submission).

Conditions:
Neurodevelopmental disorder with coarse facies and mild distal skeletal abnormalities. Also called: STOLERMAN NEURODEVELOPMENTAL SYNDROME. Identifiers: MedGen C5193134, MONDO:0032790, OMIM 618505.

gnomAD v4.1: 9 of 1,614,058 alleles (0.00056%); highest among the groups gnomAD compares: Non-Finnish European, 0.00076%; no homozygotes.

Submission:

Pittsburgh Clinical Genomics Laboratory, University of Pittsburgh Medical Center
Classification: Uncertain significance for Neurodevelopmental disorder with coarse facies and mild distal skeletal abnormalities. Last evaluated: 2022-05-04. Review status: criteria provided, single submitter. Criteria: ACMG Guidelines, 2015. Collection method: clinical testing. Allele origin: germline. Inheritance: Autosomal dominant inheritance. Affected: yes.
Comment: This sequence variant is a single nucleotide substitution (C>T) at coding nucleotide position 80 of the KDM6B gene which results in an alanine to valine amino acid change at residue 27 in the KDM6B protein. This variant has not been reported in clinical genetics databases or observed in the medical literature in individuals with KDM6B-related disease, to our knowledge. This variant is present in the gnomAD control population dataset (3/250638 alleles or 0.001%). Multiple bioinformatic tools predict that this variant is likely to be damaging, and the Ala27 residue is highly conserved in mammals. Functiol studies assessing the effect of this variant on protein structure or activity have not been performed, to our knowledge. At this time, there is insufficient evidence to determine if this variant is pathogenic or benign. Therefore, we consider it to be a variant of uncertain significance. ACMG Criteria: BP1, PP3